The following is an entry in ClinVar:

NM_000342.4(SLC4A1):c.16-3C>T

Gene: SLC4A1 (solute carrier family 4 member 1 (Diego blood group); minus strand). Cytogenetic location: 17q21.31.
Variant type: single nucleotide variant.
Coding change: c.16-3C>T on transcript NM_000342.4 (MANE Select); 3 bases into the intron before coding-DNA position 16, C replaced by T.
Molecular consequence: intron variant.
Genome position (GRCh38, 1-based): chr17:44,262,729, G>A on the plus strand (C>T on the coding strand, the complement: SLC4A1 is on the minus strand). VCF-style: chr17-44262729-G-A. GRCh37 (hg19) VCF-style: chr17-42340097-G-A.
Identifiers: ClinVar variation 1438217 (VCV001438217.11), dbSNP rs750617119, ClinGen allele CA8600750.

ClinVar aggregate classification (germline): Uncertain significance. Review status: criteria provided, multiple submitters, no conflicts (2 of 4 stars). 3 submissions from 3 submitters: Uncertain significance (3). Last evaluated 2025-03-11.

Allele frequency attached by ClinVar (database versions not stated): ExAC 0.00002; gnomAD exomes 0.00002 and 0.00003; TOPMed 0.00007.

Submissions (3):

Labcorp Genetics (formerly Invitae), Labcorp
Classification: Uncertain significance. Last evaluated: 2025-03-11. Review status: criteria provided, single submitter. Criteria: Invitae Variant Classification Sherloc (09022015). Collection method: clinical testing. Allele origin: germline.
Comment: This sequence change falls in intron 2 of the SLC4A1 gene. It does not directly change the encoded amino acid sequence of the SLC4A1 protein. It affects a nucleotide within the consensus splice site. This variant is present in population databases (rs750617119, gnomAD 0.02%). This variant has not been reported in the literature in individuals affected with SLC4A1-related conditions. ClinVar contains an entry for this variant (Variation ID: 1438217). Variants that disrupt the consensus splice site are a relatively common cause of aberrant splicing (PMID: 17576681, 9536098). Algorithms developed to predict the effect of sequence changes on RNA splicing suggest that this variant is not likely to affect RNA splicing. In summary, the available evidence is currently insufficient to determine the role of this variant in disease. Therefore, it has been classified as a Variant of Uncertain Significance.

Mayo Clinic Laboratories, Mayo Clinic
Classification: Uncertain significance. Last evaluated: 2021-12-13. Review status: criteria provided, single submitter. Criteria: ACMG Guidelines, 2015. Collection method: clinical testing. Allele origin: germline.

Revvity Omics, Revvity
Classification: Uncertain significance. Last evaluated: 2021-12-02. Review status: criteria provided, single submitter. Criteria: ACMG Guidelines, 2015. Collection method: clinical testing. Allele origin: germline.

Literature cited by the submitters: PubMed 17576681 (cited by Labcorp Genetics (formerly Invitae), Labcorp); PubMed 9536098 (cited by Labcorp Genetics (formerly Invitae), Labcorp).